The following is an entry in ClinVar:

ClinVar aggregate classification (germline): Uncertain significance (1 of 4 stars; one submission).

Conditions:
RYR1-related disorder. Also called: RYR1-related condition; RYR1-related disorders. Identifiers: MedGen CN239331.

gnomAD v4.1: 2 of 1,613,984 alleles (0.00012%); highest among the groups gnomAD compares: East Asian, 0.0022%; no homozygotes.

Submission:

Labcorp Genetics (formerly Invitae), Labcorp
Classification: Uncertain significance for RYR1-related disorder. Last evaluated: 2025-06-22. Review status: criteria provided, single submitter. Criteria: Invitae Variant Classification Sherloc (09022015). Collection method: clinical testing. Allele origin: germline.
Comment: This sequence change replaces glutamic acid, which is acidic and polar, with glutamine, which is neutral and polar, at codon 3265 of the RYR1 protein (p.Glu3265Gln). This variant is present in population databases (no rsID available, gnomAD 0.06%). This variant has not been reported in the literature in individuals affected with RYR1-related conditions. Invitae Evidence Modeling of protein sequence and biophysical properties (such as structural, functional, and spatial information, amino acid conservation, physicochemical variation, residue mobility, and thermodynamic stability) indicates that this missense variant is not expected to disrupt RYR1 protein function with a negative predictive value of 80%. In summary, the available evidence is currently insufficient to determine the role of this variant in disease. Therefore, it has been classified as a Variant of Uncertain Significance.

NM_000540.3(RYR1):c.9793G>C (p.Glu3265Gln)

Gene: RYR1 (ryanodine receptor 1; plus strand). Cytogenetic location: 19q13.2.
Variant type: single nucleotide variant.
Coding change: c.9793G>C on transcript NM_000540.3 (MANE Select); coding-DNA position 9793, G replaced by C.
Protein change: p.Glu3265Gln; replaces glutamic acid 3265 with glutamine.
Molecular consequence: missense variant.
Genome position (GRCh38, 1-based): chr19:38,517,466, G>C. VCF-style: chr19-38517466-G-C. GRCh37 (hg19) VCF-style: chr19-39008106-G-C.
Other names: c.9793G>C, p.Glu3265Gln (NM_001042723.2); short protein forms E3265Q.
Identifiers: ClinVar variation 4746445 (VCV004746445.1).